The following is an entry in ClinVar:

ClinVar aggregate classification (germline): Uncertain significance. Review status: criteria provided, multiple submitters, no conflicts (2 of 4 stars). 2 submissions from 2 submitters: Uncertain significance (2). Last evaluated 2023-10-03.

Conditions:
Familial adenomatous polyposis 1 (FAP1). Also called: FAMILIAL ADENOMATOUS POLYPOSIS 1, ATTENUATED; POLYPOSIS, ADENOMATOUS INTESTINAL. Identifiers: MedGen C2713442, MONDO:0021056, OMIM 175100. Disease mechanism: loss of function.

Submissions (2):

Baylor Genetics
Classification: Uncertain significance for Familial adenomatous polyposis 1. Last evaluated: 2023-10-03. Review status: criteria provided, single submitter. Criteria: ACMG Guidelines, 2015. Collection method: clinical testing. Allele origin: unknown.

Labcorp Genetics (formerly Invitae), Labcorp
Classification: Uncertain significance for Familial adenomatous polyposis 1. Last evaluated: 2021-10-05. Review status: criteria provided, single submitter. Criteria: Invitae Variant Classification Sherloc (09022015). Collection method: clinical testing. Allele origin: germline.
Comment: Algorithms developed to predict the effect of missense changes on protein structure and function are either unavailable or do not agree on the potential impact of this missense change (SIFT: "Deleterious"; PolyPhen-2: "Benign"; Align-GVGD: "Class C15"). In summary, the available evidence is currently insufficient to determine the role of this variant in disease. Therefore, it has been classified as a Variant of Uncertain Significance. This variant has not been reported in the literature in individuals affected with APC-related conditions. This variant is not present in population databases (ExAC no frequency). This sequence change replaces serine with isoleucine at codon 1214 of the APC protein (p.Ser1214Ile). The serine residue is moderately conserved and there is a large physicochemical difference between serine and isoleucine.

NM_000038.6(APC):c.3641G>T (p.Ser1214Ile)

Gene: APC (APC regulator of Wnt signaling pathway; plus strand). Cytogenetic location: 5q22.2.
Variant type: single nucleotide variant.
Coding change: c.3641G>T on transcript NM_000038.6 (MANE Select); coding-DNA position 3641, G replaced by T.
Protein change: p.Ser1214Ile; replaces serine 1214 with isoleucine.
Molecular consequence: missense variant.
Genome position (GRCh38, 1-based): chr5:112,839,235, G>T. VCF-style: chr5-112839235-G-T. GRCh37 (hg19) VCF-style: chr5-112174932-G-T.
Other names: c.3641G>T, p.Ser1214Ile (NM_001127510.3, NM_001354895.2); c.3263G>T, p.Ser1088Ile (NM_001354904.2); c.3161G>T, p.Ser1054Ile (NM_001354905.2); c.2792G>T, p.Ser931Ile (NM_001354906.2); c.3587G>T, p.Ser1196Ile (NM_001127511.3); c.3695G>T, p.Ser1232Ile (NM_001354896.2); c.3671G>T, p.Ser1224Ile (NM_001354897.2); c.3566G>T, p.Ser1189Ile (NM_001354898.2); and 5 more; short protein forms S1088I, S1113I, S1155I, S1173I, S1232I, S1054I, S1186I, S1189I.
Identifiers: ClinVar variation 1522866 (VCV001522866.7), dbSNP rs2149896138, ClinGen allele CA16029329.